The following is an entry in ClinVar:

ClinVar aggregate classification (germline): Uncertain significance (1 of 4 stars; one submission).

Conditions:
Joubert syndrome. Also called: CEREBELLOPARENCHYMAL DISORDER IV; JOUBERT-BOLTSHAUSER SYNDROME; Familial aplasia of the vermis. Identifiers: Orphanet 475, MedGen C5979921, MONDO:0018772.
Meckel-Gruber syndrome. Also called: DYSENCEPHALIA SPLANCHNOCYSTICA; GRUBER SYNDROME; Dysencephalia splachnocystica. Identifiers: Orphanet 564, MedGen C0265215, MONDO:0018921.

gnomAD v4.1: 13 of 1,613,346 alleles (0.00081%); highest among the groups gnomAD compares: East Asian, 0.0045%; no homozygotes.

Submission:

Labcorp Genetics (formerly Invitae), Labcorp
Classification: Uncertain significance for Joubert syndrome; Meckel-Gruber syndrome. Last evaluated: 2022-05-07. Review status: criteria provided, single submitter. Criteria: Invitae Variant Classification Sherloc (09022015). Collection method: clinical testing. Allele origin: germline.
Comment: This sequence change replaces serine, which is neutral and polar, with leucine, which is neutral and non-polar, at codon 768 of the RPGRIP1L protein (p.Ser768Leu). This variant is present in population databases (rs542206983, gnomAD 0.0009%). This variant has not been reported in the literature in individuals affected with RPGRIP1L-related conditions. Algorithms developed to predict the effect of missense changes on protein structure and function output the following: SIFT: "Tolerated"; PolyPhen-2: "Benign"; Align-GVGD: "Class C0". The leucine amino acid residue is found in multiple mammalian species, which suggests that this missense change does not adversely affect protein function. In summary, the available evidence is currently insufficient to determine the role of this variant in disease. Therefore, it has been classified as a Variant of Uncertain Significance.

NM_015272.5(RPGRIP1L):c.2303C>T (p.Ser768Leu)

Gene: RPGRIP1L (RPGRIP1 like; minus strand). Cytogenetic location: 16q12.2.
Variant type: single nucleotide variant.
Coding change: c.2303C>T on transcript NM_015272.5 (MANE Select); coding-DNA position 2303, C replaced by T.
Protein change: p.Ser768Leu; replaces serine 768 with leucine.
Molecular consequence: missense variant.
Genome position (GRCh38, 1-based): chr16:53,648,965, G>A on the plus strand (C>T on the coding strand, the complement: RPGRIP1L is on the minus strand). VCF-style: chr16-53648965-G-A. GRCh37 (hg19) VCF-style: chr16-53682877-G-A.
Other names: c.2303C>T, p.Ser768Leu (NM_001127897.4, NM_001308334.3, NM_001330538.2); short protein forms S768L.
Identifiers: ClinVar variation 2198309 (VCV002198309.1), dbSNP rs542206983, ClinGen allele CA281341833.